The following is an entry in ClinVar:

NM_001366145.2(TRPM3):c.3899_3902del (p.Asp1300fs)

Genes: KLF9-DT (KLF9 divergent transcript; plus strand), TRPM3 (transient receptor potential cation channel subfamily M member 3; minus strand). Cytogenetic location: 9q21.12.
Variant type: Deletion.
Coding change: c.3899_3902del on transcript NM_001366145.2 (MANE Select); coding-DNA positions 3899 to 3902, 4 bases deleted (ACTG; older notation c.3899_3902delACTG).
Protein change: p.Asp1300fs; shifts the reading frame from aspartic acid 1300.
Molecular consequence: frameshift variant.
Genome position (GRCh38, 1-based): chr9:70,537,211-70,537,214, CAGT deleted on the plus strand (ACTG on the coding strand, the reverse complement: TRPM3 is on the minus strand); deleting any 4 consecutive bases within chr9:70,537,211-70,537,215 gives the same sequence; the c. name uses the placement nearest the transcript's 3' end. VCF-style (leftmost placement, unchanged base first): chr9-70537210-GCAGT-G. GRCh37 (hg19) VCF-style: chr9-73152126-GCAGT-G.
Other names: c.3944_3947del, p.Asp1315fs (NM_001366148.2); c.3869_3872del, p.Asp1290fs (NM_001366149.2, NM_001366141.2, NM_001366143.2); c.3833_3836del, p.Asp1278fs (NM_001366150.2); c.3863_3866del, p.Asp1288fs (NM_001366151.2, NM_001007471.4); c.3974_3977del, p.Asp1325fs (NM_001366152.2, NM_001366147.2); c.3440_3443del, p.Asp1147fs (NM_001366154.2, NM_024971.7); c.3404_3407del, p.Asp1135fs (NM_020952.6); c.3905_3908del, p.Asp1302fs (NM_001366142.2); and 5 more; short protein forms D1125fs, D1135fs, D1137fs, D1147fs, D1150fs, D1160fs, D1278fs, D1288fs.
Identifiers: ClinVar variation 4886338 (VCV004886338.2).

ClinVar aggregate classification (germline): Uncertain significance (1 of 4 stars; one submission).

Submission:

Dasa
Classification: Uncertain significance. Last evaluated: 2026-01-19. Review status: criteria provided, single submitter. Criteria: DASA Assertion Criteria. Collection method: clinical testing. Allele origin: germline.
Comment: NM_001366145.2(TRPM3):c.3899_3902del (p.Asp1300Alafs*27) is a frameshift variant in TRPM3 predicted to alter the reading frame and introduce a premature termination codon. This variant is rare in population databases. The currently available literature and clinical evidence are not sufficient to establish a definitive association between this variant and the reported condition. Therefore, this variant is classified as a variant of uncertain significance.